The following is an entry in ClinVar:

NM_000026.4(ADSL):c.853C>G (p.Gln285Glu)

Gene: ADSL (adenylosuccinate lyase; plus strand). Cytogenetic location: 22q13.1.
Variant type: single nucleotide variant.
Coding change: c.853C>G on transcript NM_000026.4 (MANE Select); coding-DNA position 853, C replaced by G.
Protein change: p.Gln285Glu; replaces glutamine 285 with glutamic acid.
Molecular consequence: missense variant. On other transcripts: non-coding transcript variant (1).
Genome position (GRCh38, 1-based): chr22:40,361,333, C>G. VCF-style: chr22-40361333-C-G. GRCh37 (hg19) VCF-style: chr22-40757337-C-G.
Other names: c.853C>G, p.Gln285Glu (NM_001123378.3, NM_001363840.3); c.661C>G, p.Gln221Glu (NM_001317923.2); short protein forms Q221E, Q285E.
Identifiers: ClinVar variation 856583 (VCV000856583.9), dbSNP rs796052246, ClinGen allele CA324458282.

ClinVar aggregate classification (germline): Uncertain significance (1 of 4 stars; one submission).

Conditions:
Adenylosuccinate lyase deficiency (ADSLD). Also called: ADSL DEFICIENCY. Identifiers: Orphanet 46, MedGen C0268126, MONDO:0007068, OMIM 103050.

Allele frequency attached by ClinVar (database versions not stated): gnomAD exomes below 0.00001; gnomAD 0.00001; TOPMed 0.00002.
gnomAD v4.1: 3 of 1,614,098 alleles (0.00019%); highest among the groups gnomAD compares: South Asian, 0.0022%; no homozygotes.

Submission:

Labcorp Genetics (formerly Invitae), Labcorp
Classification: Uncertain significance for Adenylosuccinate lyase deficiency. Last evaluated: 2019-03-13. Review status: criteria provided, single submitter. Criteria: Invitae Variant Classification Sherloc (09022015). Collection method: clinical testing. Allele origin: germline.
Comment: This variant has not been reported in the literature in individuals with ADSL-related conditions. This variant is not present in population databases (ExAC no frequency). This sequence change replaces glutamine with glutamic acid at codon 285 of the ADSL protein (p.Gln285Glu). The glutamine residue is weakly conserved and there is a small physicochemical difference between glutamine and glutamic acid. Algorithms developed to predict the effect of missense changes on protein structure and function (SIFT, PolyPhen-2, Align-GVGD) all suggest that this variant is likely to be tolerated, but these predictions have not been confirmed by published functional studies and their clinical significance is uncertain. In summary, the available evidence is currently insufficient to determine the role of this variant in disease. Therefore, it has been classified as a Variant of Uncertain Significance.